The following is an entry in ClinVar:

NM_207361.6(FREM2):c.5417G>A (p.Gly1806Asp)

Gene: FREM2 (FRAS1 related extracellular matrix 2; plus strand). Cytogenetic location: 13q13.3.
Variant type: single nucleotide variant.
Coding change: c.5417G>A on transcript NM_207361.6 (MANE Select); coding-DNA position 5417, G replaced by A.
Protein change: p.Gly1806Asp; replaces glycine 1806 with aspartic acid.
Molecular consequence: missense variant.
Genome position (GRCh38, 1-based): chr13:38,769,584, G>A. VCF-style: chr13-38769584-G-A. GRCh37 (hg19) VCF-style: chr13-39343721-G-A.
Other names: short protein forms G1806D.
Identifiers: ClinVar variation 311991 (VCV000311991.33), dbSNP rs145208009, ClinGen allele CA6955250.

ClinVar aggregate classification (germline): Conflicting classifications of pathogenicity. Review status: criteria provided, conflicting classifications (1 of 4 stars). 8 submissions from 8 submitters: Uncertain significance (4); Likely benign (1). 3 of the submissions do not count toward it. Last evaluated 2024-06-01.

Conditions:
FREM2-related disorder. Also called: FREM2-related condition.
Fraser syndrome 2 (FRASRS2). Identifiers: MedGen C4540036, MONDO:0054738, OMIM 617666.

Allele frequency attached by ClinVar (database versions not stated): 1000 Genomes Project 0.00020; 1000 Genomes Project 30x 0.00031; gnomAD exomes 0.00091 and 0.00202; gnomAD 0.00095 and 0.00101; TOPMed 0.00097; ExAC 0.00099; ESP Exome Variant Server 0.00185.
gnomAD v4.1: 3,084 of 1,612,554 alleles (0.19%); highest among the groups gnomAD compares: Non-Finnish European, 0.24%; 8 homozygotes.

Submissions (8):

CeGaT Center for Human Genetics Tuebingen
Classification: Likely benign. Last evaluated: 2024-06-01. Review status: criteria provided, single submitter. Criteria: CeGaT Center For Human Genetics Tuebingen Variant Classification Criteria Version 2. Collection method: clinical testing. Allele origin: germline. Affected: yes. Observed: 1 variant allele.
Comment: FREM2: BP4

Labcorp Genetics (formerly Invitae), Labcorp
Classification: Uncertain significance. Last evaluated: 2022-10-25. Review status: criteria provided, single submitter. Criteria: Invitae Variant Classification Sherloc (09022015). Collection method: clinical testing. Allele origin: germline.
Comment: This sequence change replaces glycine, which is neutral and non-polar, with aspartic acid, which is acidic and polar, at codon 1806 of the FREM2 protein (p.Gly1806Asp). This variant is present in population databases (rs145208009, gnomAD 0.2%), and has an allele count higher than expected for a pathogenic variant. This variant has not been reported in the literature in individuals affected with FREM2-related conditions. ClinVar contains an entry for this variant (Variation ID: 311991). Advanced modeling of protein sequence and biophysical properties (such as structural, functional, and spatial information, amino acid conservation, physicochemical variation, residue mobility, and thermodynamic stability) has been performed at Invitae for this missense variant, however the output from this modeling did not meet the statistical confidence thresholds required to predict the impact of this variant on FREM2 protein function. In summary, the available evidence is currently insufficient to determine the role of this variant in disease. Therefore, it has been classified as a Variant of Uncertain Significance.

Centre for Mendelian Genomics, University Medical Centre Ljubljana
Classification: Uncertain significance for Fraser syndrome 2. Last evaluated: 2018-10-01. Review status: criteria provided, single submitter. Criteria: ACMG Guidelines, 2015. Collection method: clinical testing. Allele origin: unknown. Affected: yes.
Comment: This variant was classified as: Uncertain significance. The available evidence favors the benign nature of this variant, however the evidence is insufficent to prove its benign nature. The following ACMG criteria were applied in classifying this variant: BP4.

Illumina Laboratory Services, Illumina
Classification: Uncertain significance for Fraser syndrome 2. Last evaluated: 2018-01-12. Review status: criteria provided, single submitter. Criteria: ICSL Variant Classification Criteria 13 December 2019. Collection method: clinical testing. Allele origin: germline.

Breakthrough Genomics
Classification: Uncertain significance. Review status: criteria provided, single submitter. Criteria: ACMG Guidelines, 2015. Collection method: not provided. Allele origin: germline. Inheritance: Autosomal recessive inheritance. Affected: yes.

PreventionGenetics, part of Exact Sciences
Classification: Likely benign for FREM2-related condition. Last evaluated: 2022-09-22. Review status: no assertion criteria provided. Collection method: clinical testing. Allele origin: germline. Not counted in ClinVar's aggregate classification.
Comment: This variant is classified as likely benign based on ACMG/AMP sequence variant interpretation guidelines (Richards et al. 2015 PMID: 25741868, with internal and published modifications).

Clinical Genetics DNA and cytogenetics Diagnostics Lab, Erasmus MC, Erasmus Medical Center
Classification: Uncertain significance. Review status: no assertion criteria provided. Collection method: clinical testing. Allele origin: germline. Affected: yes. Study: VKGL Data-share Consensus. Not counted in ClinVar's aggregate classification.

Genome Diagnostics Laboratory, University Medical Center Utrecht
Classification: Uncertain significance. Review status: no assertion criteria provided. Collection method: clinical testing. Allele origin: germline. Affected: yes. Study: VKGL Data-share Consensus. Not counted in ClinVar's aggregate classification.